The following is an entry in ClinVar:

NM_001009944.3(PKD1):c.2173G>A (p.Ala725Thr)

Gene: PKD1 (polycystin 1, transient receptor potential channel interacting; minus strand). Cytogenetic location: 16p13.3.
Variant type: single nucleotide variant.
Coding change: c.2173G>A on transcript NM_001009944.3 (MANE Select); coding-DNA position 2173, G replaced by A.
Protein change: p.Ala725Thr; replaces alanine 725 with threonine.
Molecular consequence: missense variant.
Genome position (GRCh38, 1-based): chr16:2,114,850, C>T on the plus strand (G>A on the coding strand, the complement: PKD1 is on the minus strand). VCF-style: chr16-2114850-C-T. GRCh37 (hg19) VCF-style: chr16-2164851-C-T.
Other names: c.2173G>A, p.Ala725Thr (NM_000296.4); short protein forms A725T.
Identifiers: ClinVar variation 1048915 (VCV001048915.1), dbSNP rs773053314, ClinGen allele CA7833269.

ClinVar aggregate classification (germline): Likely benign (0 of 4 stars; one submission).

Conditions:
Bile duct cancer. Identifiers: MedGen CN296287, MONDO:0003059.

Allele frequency attached by ClinVar (database versions not stated): gnomAD exomes 0.00001; TOPMed 0.00001; ExAC 0.00019.

Submission:

Department of Pathology and Laboratory Medicine, Sinai Health System
Classification: Likely benign for Bile duct cancer. Review status: no assertion criteria provided. Collection method: clinical testing. Allele origin: unknown. Affected: yes. Observed: 1 variant allele. Study: The Canadian Open Genetics Repository (COGR).
Comment: The PKD1 p.Ala725Thr variant was not identified in the literature nor was it identified in the ClinVar, LOVD 3.0, ADPKD Mutation Database, or PKD1-LOVD databases. The variant was identified in dbSNP (ID: rs773053314). The variant was identified in 1 of 119470 chromosomes at a frequency of 0.000008 (Genome Aggregation Database Feb 27, 2017). The variant was observed in South Asian population in 1 of 19322 chromosomes (freq: 0.00005); it was not observed in the African, Other, Latino, European, Ashkenazi Jewish, East Asian, or Finnish populations. The variant was identified in our laboratory with a co-occurring pathogenic PKD1 variant (c.856_862del, p.Gly287*), increasing the likelihood that the p.Ala725Thr variant does not have clinical significance. The p.Ala725 residue is not conserved in mammals and computational analyses (PolyPhen-2, SIFT, AlignGVGD, BLOSUM, MutationTaster) do not suggest a high likelihood of impact to the protein; however, this information is not predictive enough to rule out pathogenicity. The variant occurs outside of the splicing consensus sequence and in silico or computational prediction software programs (SpliceSiteFinder, MaxEntScan, NNSPLICE, GeneSplicer) do not predict a difference in splicing. In summary, based on the above information, the clinical significance of this variant cannot be determined with certainty at this time although we would lean towards a more benign role for this variant. This variant is classified as likely benign.